The following is an entry in ClinVar:

NM_000051.4(ATM):c.2467-7del

Gene: ATM (ATM serine/threonine kinase; plus strand). Cytogenetic location: 11q22.3.
Variant type: Deletion.
Coding change: c.2467-7del on transcript NM_000051.4 (MANE Select); 7 bases into the intron before coding-DNA position 2467, one base deleted (C; older notation c.2467-7delC).
Molecular consequence: intron variant.
Genome position (GRCh38, 1-based): chr11:108,267,164, C deleted; the last of 2 consecutive C bases (chr11:108,267,163-108,267,164); deleting either gives the same sequence. VCF-style (leftmost placement, unchanged base first): chr11-108267162-TC-T. GRCh37 (hg19) VCF-style: chr11-108137889-TC-T.
Other names: c.2467-7del (NM_001351834.2).
Identifiers: ClinVar variation 3253985 (VCV003253985.1), dbSNP rs762495417.
Genomic context (GRCh38, chr11:108,267,162, plus strand): 5'-GGTAAATTTTGACTACAGCATGCTCCTGCAAGAAGCCATCTTGAACATCTTTGTTTCTCT[TC>T]CTTGAAGGCATCCTTCATCAAAAAGCCATTTGACCGTGGAGAAGTAGAATCAATGGAAGA-3'

ClinVar aggregate classification (germline): Likely benign (1 of 4 stars; one submission).

Conditions:
Familial cancer of breast. Also called: BREAST CANCER, FAMILIAL; Hereditary breast cancer; hereditary breast carcinoma. Identifiers: Orphanet 227535, MedGen C0346153, MONDO:0016419, OMIM 114480. Disease mechanism: loss of function.

Submission:

Myriad Genetics, Inc.
Classification: Likely benign for Familial cancer of breast. Last evaluated: 2024-05-09. Review status: criteria provided, single submitter. Criteria: Myriad Autosomal Dominant, Autosomal Recessive and X-Linked Classification Criteria (2023). Collection method: clinical testing. Allele origin: unknown.
Comment: This variant is considered likely benign. This variant is intronic and is not expected to impact mRNA splicing.